The following is an entry in ClinVar:

NM_001365276.2(TNXB):c.3989A>C (p.Tyr1330Ser)

Gene: TNXB (tenascin XB; minus strand). Cytogenetic location: 6p21.33.
Variant type: single nucleotide variant.
Coding change: c.3989A>C on transcript NM_001365276.2 (MANE Select); coding-DNA position 3989, A replaced by C.
Protein change: p.Tyr1330Ser; replaces tyrosine 1330 with serine.
Molecular consequence: missense variant.
Genome position (GRCh38, 1-based): chr6:32,081,421, T>G on the plus strand (A>C on the coding strand, the complement: TNXB is on the minus strand). VCF-style: chr6-32081421-T-G. GRCh37 (hg19) VCF-style: chr6-32049198-T-G.
Other names: c.3989A>C, p.Tyr1330Ser (NM_019105.8); short protein forms Y1330S.
Identifiers: ClinVar variation 1736741 (VCV001736741.2), dbSNP rs371069668, ClinGen allele CA136896252.

ClinVar aggregate classification (germline): Uncertain significance (1 of 4 stars; one submission).

Conditions:
Cardiovascular phenotype. Identifiers: MedGen CN230736.

Allele frequency attached by ClinVar (database versions not stated): gnomAD exomes below 0.00001; gnomAD 0.00001; TOPMed 0.00002; ESP Exome Variant Server 0.00008.
gnomAD v4.1: 7 of 1,558,478 alleles (0.00045%); highest among the groups gnomAD compares: Non-Finnish European, 0.00061%; no homozygotes.

Submission:

Ambry Genetics
Classification: Uncertain significance for Cardiovascular phenotype. Last evaluated: 2021-10-07. Review status: criteria provided, single submitter. Criteria: Ambry Variant Classification Scheme 2023. Collection method: clinical testing. Allele origin: germline.
Comment: The p.Y1330S variant (also known as c.3989A>C), located in coding exon 9 of the TNXB gene, results from an A to C substitution at nucleotide position 3989. The tyrosine at codon 1330 is replaced by serine, an amino acid with dissimilar properties. This amino acid position is conserved. In addition, the in silico prediction for this alteration is inconclusive. Since supporting evidence is limited at this time, the clinical significance of this alteration remains unclear.